The following is an entry in ClinVar:

NM_006231.4(POLE):c.2203_2208del (p.His735_Ile736del)

Gene: POLE (DNA polymerase epsilon, catalytic subunit; minus strand). Cytogenetic location: 12q24.33.
Variant type: Deletion.
Coding change: c.2203_2208del on transcript NM_006231.4 (MANE Select); coding-DNA positions 2203 to 2208, 6 bases deleted (CACATC; older notation c.2203_2208delCACATC).
Protein change: p.His735_Ile736del.
Molecular consequence: inframe deletion.
Genome position (GRCh38, 1-based): chr12:132,667,614-132,667,619, GATGTG deleted on the plus strand (CACATC on the coding strand, the reverse complement: POLE is on the minus strand); deleting any 6 consecutive bases within chr12:132,667,614-132,667,622 gives the same sequence; the c. name uses the placement nearest the transcript's 3' end. VCF-style (leftmost placement, unchanged base first): chr12-132667613-TGATGTG-T. GRCh37 (hg19) VCF-style: chr12-133244199-TGATGTG-T.
Identifiers: ClinVar variation 4717026 (VCV004717026.1).

ClinVar aggregate classification (germline): Uncertain significance (1 of 4 stars; one submission).

Submission:

Labcorp Genetics (formerly Invitae), Labcorp
Classification: Uncertain significance. Last evaluated: 2025-04-10. Review status: criteria provided, single submitter. Criteria: Invitae Variant Classification Sherloc (09022015). Collection method: clinical testing. Allele origin: germline.
Comment: This variant, c.2203_2208del, results in the deletion of 2 amino acid(s) of the POLE protein (p.His735_Ile736del), but otherwise preserves the integrity of the reading frame. This variant is not present in population databases (gnomAD no frequency). This variant has not been reported in the literature in individuals affected with POLE-related conditions. Experimental studies and prediction algorithms are not available or were not evaluated, and the functional significance of this variant is currently unknown. In summary, the available evidence is currently insufficient to determine the role of this variant in disease. Therefore, it has been classified as a Variant of Uncertain Significance.